The following is an entry in ClinVar:

ClinVar aggregate classification (germline): Likely benign (1 of 4 stars; one submission).

Conditions:
POMGNT1-related disorder. Also called: POMGNT1-related condition; POMGNT1-related disorders. Identifiers: MedGen CN239299.

Submission:

PreventionGenetics, part of Exact Sciences
Classification: Likely benign for POMGNT1-related condition. Last evaluated: 2026-03-18. Review status: criteria provided, single submitter. Criteria: ACMG Guidelines, 2015. Collection method: clinical testing. Allele origin: germline.
Comment: This variant is classified as likely benign based on ACMG/AMP sequence variant interpretation guidelines (Richards et al. 2015 PMID: 25741868, with internal and published modifications).

NM_001243766.2(POMGNT1):c.-50-680_-50-672dup

Genes: POMGNT1 (protein O-linked mannose N-acetylglucosaminyltransferase 1 (beta 1,2-); minus strand), LOC129930471 (ATAC-STARR-seq lymphoblastoid silent region 837; plus strand). Cytogenetic location: 1p34.1.
Variant type: Duplication.
Coding change: c.-50-680_-50-672dup on transcript NM_001243766.2; 680 bases into the intron before 50 bases upstream of the start codon through 672 bases into the intron before 50 bases upstream of the start codon, 9 bases duplicated (GCTGCCGCC; older notation c.-50-680_-50-672dupGCTGCCGCC).
Molecular consequence: intron variant.
Genome position (GRCh38, 1-based): chr1:46,198,543-46,198,551, GGCGGCAGC duplicated on the plus strand (GCTGCCGCC on the coding strand, the reverse complement: POMGNT1 is on the minus strand); duplicating any 9 consecutive bases within chr1:46,198,543-46,198,555 gives the same sequence; the c. name uses the placement nearest the transcript's 3' end. VCF-style (leftmost placement, unchanged base first): chr1-46198542-T-TGGCGGCAGC. GRCh37 (hg19) VCF-style: chr1-46664214-T-TGGCGGCAGC.
Identifiers: ClinVar variation 4988505 (VCV004988505.1).
Genomic context (GRCh38, chr1:46,198,542, plus strand): 5'-GCTGCCGCGGGGTGAGAGGGCGACGGGCGGTGCTTAGGGCGGCGGCGGCGGCGGCGGCGG[T>TGGCGGCAGC]GGCGGCAGCGGCGTCGGGGTGTAAGCAGCCAGCGAGTAAGGCGAATGCTCAGACCGTGCT-3'